The following is an entry in ClinVar:

NM_001999.4(FBN2):c.3982G>A (p.Glu1328Lys)

Gene: FBN2 (fibrillin 2; minus strand). Cytogenetic location: 5q23.3.
Variant type: single nucleotide variant.
Coding change: c.3982G>A on transcript NM_001999.4 (MANE Select); coding-DNA position 3982, G replaced by A.
Protein change: p.Glu1328Lys; replaces glutamic acid 1328 with lysine.
Molecular consequence: missense variant.
Genome position (GRCh38, 1-based): chr5:128,334,836, C>T on the plus strand (G>A on the coding strand, the complement: FBN2 is on the minus strand). VCF-style: chr5-128334836-C-T. GRCh37 (hg19) VCF-style: chr5-127670528-C-T.
Other names: short protein forms E1328K.
Identifiers: ClinVar variation 2093803 (VCV002093803.4), dbSNP rs1750792951, ClinGen allele CA360757251.
Genomic context (GRCh38, chr5:128,334,836, plus strand): 5'-AGGATCCCTTTGTGTTCTCACATTCCCCAAACATGCAGATATTTGAATTTAGGTCACATT[C>T]ATTGACATCTAGAAAATTTATTTTCAATATCTTAGTATGTGCTCATCACAGTAATTTAAA-3'
Protein context (NP_001990.2, residues 1318-1338): MDMKTCIDVN[Glu1328Lys]CDLNSNICMF

ClinVar aggregate classification (germline): Uncertain significance (1 of 4 stars; one submission).

Conditions:
Congenital contractural arachnodactyly (CCA). Also called: BEALS SYNDROME; Beals-Hecht syndrome; Arthrogryposis, distal, type 9. Identifiers: Orphanet 115, MedGen C0220668, MONDO:0007363, OMIM 121050.

Submission:

Labcorp Genetics (formerly Invitae), Labcorp
Classification: Uncertain significance for Congenital contractural arachnodactyly. Last evaluated: 2024-01-21. Review status: criteria provided, single submitter. Criteria: Invitae Variant Classification Sherloc (09022015). Collection method: clinical testing. Allele origin: germline.
Comment: This sequence change replaces glutamic acid, which is acidic and polar, with lysine, which is basic and polar, at codon 1328 of the FBN2 protein (p.Glu1328Lys). This variant is not present in population databases (gnomAD no frequency). This variant has not been reported in the literature in individuals affected with FBN2-related conditions. ClinVar contains an entry for this variant (Variation ID: 2093803). Advanced modeling of protein sequence and biophysical properties (such as structural, functional, and spatial information, amino acid conservation, physicochemical variation, residue mobility, and thermodynamic stability) performed at Invitae indicates that this missense variant is expected to disrupt FBN2 protein function with a positive predictive value of 80%. Algorithms developed to predict the effect of sequence changes on RNA splicing suggest that this variant may disrupt the consensus splice site. In summary, the available evidence is currently insufficient to determine the role of this variant in disease. Therefore, it has been classified as a Variant of Uncertain Significance.